The following is an entry in ClinVar:

ClinVar aggregate classification (germline): Uncertain significance (1 of 4 stars; one submission).

Submission:

Labcorp Genetics (formerly Invitae), Labcorp
Classification: Uncertain significance. Last evaluated: 2021-12-19. Review status: criteria provided, single submitter. Criteria: Invitae Variant Classification Sherloc (09022015). Collection method: clinical testing. Allele origin: germline.
Comment: This variant is present in population databases (no rsID available, gnomAD no frequency). This variant, c.869_952del, results in the deletion of 28 amino acid(s) of the SMARCA2 protein (p.Ala290_Pro317del), but otherwise preserves the integrity of the reading frame. This variant has not been reported in the literature in individuals affected with SMARCA2-related conditions. In summary, the available evidence is currently insufficient to determine the role of this variant in disease. Therefore, it has been classified as a Variant of Uncertain Significance. Experimental studies and prediction algorithms are not available or were not evaluated, and the functional significance of this variant is currently unknown.

NM_003070.5(SMARCA2):c.869_952del (p.Ala290_Pro317del)

Gene: SMARCA2 (SWI/SNF related BAF chromatin remodeling complex subunit ATPase 2; plus strand). Cytogenetic location: 9p24.3.
Variant type: Deletion.
Coding change: c.869_952del on transcript NM_003070.5 (MANE Select); coding-DNA positions 869 to 952, 84 bases deleted.
Protein change: p.Ala290_Pro317del.
Molecular consequence: inframe deletion. On other transcripts: inframe indel (1).
Genome position (GRCh38, 1-based): chr9:2,047,307-2,047,390, 84 bases deleted. GRCh37 (hg19): chr9:2,047,307-2,047,390.
Other names: c.869_952del84, p.Ala290_Pro317del (NM_001289396.2); c.869_952del, p.Ala290_Pro317del (NM_001289397.2, NM_139045.4).
Identifiers: ClinVar variation 2048149 (VCV002048149.4), dbSNP rs1563730403, ClinGen allele CA586168160.